The following is an entry in ClinVar:

ClinVar aggregate classification (germline): Uncertain significance. Review status: criteria provided, multiple submitters, no conflicts (2 of 4 stars). 2 submissions from 2 submitters: Uncertain significance (2). Last evaluated 2025-08-07.

Conditions:
Inborn genetic diseases. Identifiers: MedGen C0950123, MeSH D030342.

Allele frequency attached by ClinVar (database versions not stated): ExAC 0.00001; gnomAD 0.00001; gnomAD exomes 0.00001.
gnomAD v4.1: 18 of 1,614,176 alleles (0.0011%); highest among the groups gnomAD compares: Non-Finnish European, 0.0015%; no homozygotes.

Submissions (2):

Ambry Genetics
Classification: Uncertain significance for Inborn genetic diseases. Last evaluated: 2025-08-07. Review status: criteria provided, single submitter. Criteria: Ambry Variant Classification Scheme 2023. Collection method: clinical testing. Allele origin: germline.

Labcorp Genetics (formerly Invitae), Labcorp
Classification: Uncertain significance. Last evaluated: 2022-10-25. Review status: criteria provided, single submitter. Criteria: Invitae Variant Classification Sherloc (09022015). Collection method: clinical testing. Allele origin: germline.
Comment: This sequence change replaces glycine, which is neutral and non-polar, with aspartic acid, which is acidic and polar, at codon 2999 of the LAMA1 protein (p.Gly2999Asp). This variant is present in population databases (rs748368066, gnomAD 0.002%). This variant has not been reported in the literature in individuals affected with LAMA1-related conditions. Advanced modeling of protein sequence and biophysical properties (such as structural, functional, and spatial information, amino acid conservation, physicochemical variation, residue mobility, and thermodynamic stability) performed at Invitae indicates that this missense variant is not expected to disrupt LAMA1 protein function. In summary, the available evidence is currently insufficient to determine the role of this variant in disease. Therefore, it has been classified as a Variant of Uncertain Significance.

NM_005559.4(LAMA1):c.8996G>A (p.Gly2999Asp)

Gene: LAMA1 (laminin subunit alpha 1; minus strand). Cytogenetic location: 18p11.31.
Variant type: single nucleotide variant.
Coding change: c.8996G>A on transcript NM_005559.4 (MANE Select); coding-DNA position 8996, G replaced by A.
Protein change: p.Gly2999Asp; replaces glycine 2999 with aspartic acid.
Molecular consequence: missense variant.
Genome position (GRCh38, 1-based): chr18:6,943,251, C>T on the plus strand (G>A on the coding strand, the complement: LAMA1 is on the minus strand). VCF-style: chr18-6943251-C-T. GRCh37 (hg19) VCF-style: chr18-6943250-C-T.
Other names: c.8996G>A (NM_005559.3); short protein forms G2999D.
Identifiers: ClinVar variation 1980220 (VCV001980220.4), dbSNP rs748368066, ClinGen allele CA8880287.